The following is an entry in ClinVar:

ClinVar aggregate classification (germline): Benign/Likely benign. Review status: criteria provided, multiple submitters, no conflicts (2 of 4 stars). 23 submissions from 16 submitters: Benign (13); Likely benign (6). 4 of the submissions do not count toward it. Last evaluated 2026-02-03.

Conditions:
Cardiovascular phenotype. Identifiers: MedGen CN230736.
Dilated cardiomyopathy 1G (CMD1G). Identifiers: Orphanet 154, MedGen C1858763, MONDO:0011400, OMIM 604145.
Autosomal recessive limb-girdle muscular dystrophy type 2J (LGMDR10). Also called: Limb-girdle muscular dystrophy, type 2J; MUSCULAR DYSTROPHY, LIMB-GIRDLE, AUTOSOMAL RECESSIVE 10. Identifiers: Orphanet 140922, MedGen C1837342, MONDO:0012127, OMIM 608807.
Cardiomyopathy (CMYO). Also called: Cardiomyopathies. Identifiers: Orphanet 167848, MedGen C0878544, MONDO:0004994, HP:0001638. Inheritance: Various modes of inheritance.
Early-onset myopathy with fatal cardiomyopathy (CMYO5). Also called: CONGENITAL MYOPATHY 5 WITH CARDIOMYOPATHY; Salih Myopathy. Identifiers: Orphanet 289377, MedGen C2673677, MONDO:0012714, OMIM 611705. Disease mechanism: loss of function.
Myopathy, myofibrillar, 9, with early respiratory failure (MFM9). Also called: MYOPATHY, PROXIMAL, WITH EARLY RESPIRATORY MUSCLE INVOLVEMENT; Myopathy, distal, with early respiratory failure, autosomal dominant; Hereditary myopathy with early respiratory failure; EDSTROM MYOPATHY. Identifiers: Orphanet 178464, Orphanet 34521, MedGen C1863599, MONDO:0011362, OMIM 603689.
Tibial muscular dystrophy (TMD). Also called: Tibial muscular dystrophy, tardive; UDD MYOPATHY; Udd Distal Myopathy – Tibial Muscular Dystrophy. Identifiers: Orphanet 609, MedGen C1838244, MONDO:0010870, OMIM 600334.
Hypertrophic cardiomyopathy. Also called: HYPERTROPHIC MYOCARDIOPATHY. Identifiers: Orphanet 217569, MedGen C0007194, MeSH D002312, MONDO:0005045, HP:0001639.

Allele frequency attached by ClinVar (database versions not stated): ESP Exome Variant Server 0.00083; gnomAD 0.00091 and 0.00140; TOPMed 0.00111; gnomAD exomes 0.00208 and 0.00369; 1000 Genomes Project 30x 0.00265; 1000 Genomes Project 0.00300; ExAC 0.00377.
gnomAD v4.1: 3,278 of 1,612,270 alleles (0.2%); highest among the groups gnomAD compares: South Asian, 1.7%; 42 homozygotes.

Submissions (23):

Labcorp Genetics (formerly Invitae), Labcorp
Classification: Benign for Dilated cardiomyopathy 1G; Autosomal recessive limb-girdle muscular dystrophy type 2J. Last evaluated: 2026-02-03. Review status: criteria provided, single submitter. Criteria: Invitae Variant Classification Sherloc (09022015). Collection method: clinical testing. Allele origin: germline.

Molecular Diagnostic Laboratory for Inherited Cardiovascular Disease, Montreal Heart Institute
Classification: Likely benign. Last evaluated: 2025-04-09. Review status: criteria provided, single submitter. Criteria: ACMG Guidelines, 2015. Collection method: clinical testing. Allele origin: germline. Affected: no.

Genome-Nilou Lab
Classification: Benign for Autosomal recessive limb-girdle muscular dystrophy type 2J. Last evaluated: 2021-09-10. Review status: criteria provided, single submitter. Criteria: ACMG Guidelines, 2015. Collection method: clinical testing. Allele origin: germline. Affected: no.

Genome-Nilou Lab
Classification: Benign for Myopathy, myofibrillar, 9, with early respiratory failure. Last evaluated: 2021-09-10. Review status: criteria provided, single submitter. Criteria: ACMG Guidelines, 2015. Collection method: clinical testing. Allele origin: germline. Affected: no.

Genome-Nilou Lab
Classification: Benign for Early-onset myopathy with fatal cardiomyopathy. Last evaluated: 2021-09-10. Review status: criteria provided, single submitter. Criteria: ACMG Guidelines, 2015. Collection method: clinical testing. Allele origin: germline. Affected: no.

Genome-Nilou Lab
Classification: Benign for Tibial muscular dystrophy. Last evaluated: 2021-09-10. Review status: criteria provided, single submitter. Criteria: ACMG Guidelines, 2015. Collection method: clinical testing. Allele origin: germline. Affected: no.

Women's Health and Genetics/Laboratory Corporation of America, LabCorp
Classification: Likely benign. Last evaluated: 2021-05-23. Review status: criteria provided, single submitter. Criteria: LabCorp Variant Classification Summary - May 2015. Collection method: clinical testing. Allele origin: germline.

Center for Advanced Laboratory Medicine, UC San Diego Health, University of California San Diego
Classification: Benign for Hypertrophic cardiomyopathy. Last evaluated: 2018-06-15. Review status: criteria provided, single submitter. Criteria: ACMG Guidelines, 2015. Collection method: clinical testing. Allele origin: germline. Affected: yes. Observed: 1 variant allele.

Illumina Laboratory Services, Illumina
Classification: Likely benign for Autosomal recessive limb-girdle muscular dystrophy type 2J. Last evaluated: 2018-01-12. Review status: criteria provided, single submitter. Criteria: ICSL Variant Classification Criteria 13 December 2019. Collection method: clinical testing. Allele origin: germline.
Comment: This variant was observed in the ICSL laboratory as part of a predisposition screen in an ostensibly healthy population. It had not been previously curated by ICSL or reported in the Human Gene Mutation Database (HGMD: prior to June 1st, 2018), and was therefore a candidate for classification through an automated scoring system. Utilizing variant allele frequency, disease prevalence and penetrance estimates, and inheritance mode, an automated score was calculated to assess if this variant is too frequent to cause the disease. Based on the score and internal cut-off values, a variant classified as likely benign is not then subjected to further curation. The score for this variant resulted in a classification of likely benign for this disease.

Illumina Laboratory Services, Illumina
Classification: Likely benign for Dilated cardiomyopathy 1G. Last evaluated: 2018-01-12. Review status: criteria provided, single submitter. Criteria: ICSL Variant Classification Criteria 13 December 2019. Collection method: clinical testing. Allele origin: germline.
Comment: the same text as in the submission from Illumina Laboratory Services, Illumina above.

Illumina Laboratory Services, Illumina
Classification: Benign for Myopathy, myofibrillar, 9, with early respiratory failure. Last evaluated: 2018-01-12. Review status: criteria provided, single submitter. Criteria: ICSL Variant Classification Criteria 13 December 2019. Collection method: clinical testing. Allele origin: germline.
Comment: This variant was observed in the ICSL laboratory as part of a predisposition screen in an ostensibly healthy population. It had not been previously curated by ICSL or reported in the Human Gene Mutation Database (HGMD: prior to June 1st, 2018), and was therefore a candidate for classification through an automated scoring system. Utilizing variant allele frequency, disease prevalence and penetrance estimates, and inheritance mode, an automated score was calculated to assess if this variant is too frequent to cause the disease. Based on the score and internal cut-off values, a variant classified as benign is not then subjected to further curation. The score for this variant resulted in a classification of benign for this disease.

Illumina Laboratory Services, Illumina
Classification: Likely benign for Early-onset myopathy with fatal cardiomyopathy. Last evaluated: 2018-01-12. Review status: criteria provided, single submitter. Criteria: ICSL Variant Classification Criteria 13 December 2019. Collection method: clinical testing. Allele origin: germline.
Comment: the same text as in the submission from Illumina Laboratory Services, Illumina above.

Illumina Laboratory Services, Illumina
Classification: Benign for Tibial muscular dystrophy. Last evaluated: 2018-01-12. Review status: criteria provided, single submitter. Criteria: ICSL Variant Classification Criteria 13 December 2019. Collection method: clinical testing. Allele origin: germline.
Comment: the same text as in the submission from Illumina Laboratory Services, Illumina above.

CHEO Genetics Diagnostic Laboratory, Children's Hospital of Eastern Ontario
Classification: Benign for Cardiomyopathy. Last evaluated: 2017-11-24. Review status: criteria provided, single submitter. Criteria: ACMG Guidelines, 2015. Collection method: clinical testing. Allele origin: germline.

Ambry Genetics
Classification: Benign for Cardiovascular phenotype. Last evaluated: 2016-02-10. Review status: criteria provided, single submitter. Criteria: Ambry Autosomal Dominant and X-Linked criteria (10/2015). Collection method: clinical testing. Allele origin: germline. Observed: 1 variant allele.
Comment: General population or subpopulation frequency is too high to be a pathogenic mutation based on disease/syndrome prevalence and penetrance

GeneDx
Classification: Benign. Last evaluated: 2015-11-11. Review status: criteria provided, single submitter. Criteria: GeneDx Variant Classification (06012015). Collection method: clinical testing. Allele origin: germline. Affected: yes.
Comment: This variant is considered likely benign or benign based on one or more of the following criteria: it is a conservative change, it occurs at a poorly conserved position in the protein, it is predicted to be benign by multiple in silico algorithms, and/or has population frequency not consistent with disease.

Laboratory for Molecular Medicine, Mass General Brigham Personalized Medicine
Classification: Benign. Last evaluated: 2015-08-11. Review status: criteria provided, single submitter. Criteria: LMM Criteria. Collection method: clinical testing. Allele origin: germline. Observed: 8 variant alleles.
Comment: p.Pro17706Leu in exon 253 of TTN: This variant is not expected to have clinical significance because it has been identified in 1.7% (285/16358) of South Asian c hromosomes by the Exome Aggregation Consortium (ExAC .org; dbSNP rs72646845).

Eurofins Ntd Llc (ga)
Classification: Benign. Last evaluated: 2015-06-11. Review status: criteria provided, single submitter. Criteria: EGL Classification Definitions 2015. Collection method: clinical testing. Allele origin: germline. Observed: 2 variant alleles, 2 heterozygotes.

Breakthrough Genomics
Classification: Likely benign. Review status: criteria provided, single submitter. Criteria: ACMG Guidelines, 2015. Collection method: not provided. Allele origin: germline. Inheritance: Autosomal recessive inheritance. Affected: yes.

Clinical Genetics DNA and cytogenetics Diagnostics Lab, Erasmus MC, Erasmus Medical Center
Classification: Benign. Review status: no assertion criteria provided. Collection method: clinical testing. Allele origin: germline. Affected: yes. Study: VKGL Data-share Consensus. Not counted in ClinVar's aggregate classification.

Clinical Genetics, Academic Medical Center
Classification: Benign. Review status: no assertion criteria provided. Collection method: clinical testing. Allele origin: germline. Affected: yes. Study: VKGL Data-share Consensus. Not counted in ClinVar's aggregate classification.

Genome Diagnostics Laboratory, University Medical Center Utrecht
Classification: Likely benign. Review status: no assertion criteria provided. Collection method: clinical testing. Allele origin: germline. Affected: yes. Study: VKGL Data-share Consensus. Not counted in ClinVar's aggregate classification.

Joint Genome Diagnostic Labs from Nijmegen and Maastricht, Radboudumc and MUMC+
Classification: Likely benign. Review status: no assertion criteria provided. Collection method: clinical testing. Allele origin: germline. Affected: yes. Study: VKGL Data-share Consensus. Not counted in ClinVar's aggregate classification.

Literature cited by the submitters: PubMed 23861362 (cited by Ambry Genetics).

NM_001267550.2(TTN):c.60821C>T (p.Pro20274Leu)

Genes: TTN-AS1 (TTN antisense RNA 1; plus strand), TTN (titin; minus strand). Cytogenetic location: 2q31.2.
Variant type: single nucleotide variant.
Coding change: c.60821C>T on transcript NM_001267550.2 (MANE Select); coding-DNA position 60821, C replaced by T.
Protein change: p.Pro20274Leu; replaces proline 20274 with leucine.
Molecular consequence: missense variant.
Genome position (GRCh38, 1-based): chr2:178,590,904, G>A on the plus strand (C>T on the coding strand, the complement: TTN is on the minus strand). VCF-style: chr2-178590904-G-A. GRCh37 (hg19) VCF-style: chr2-179455631-G-A.
Other names: p.P18633L:CCT>CTT; c.55898C>T, p.Pro18633Leu (NM_001256850.1); c.53117C>T, p.Pro17706Leu (NM_133378.4); c.33626C>T, p.Pro11209Leu (NM_003319.4); c.34001C>T, p.Pro11334Leu (NM_133432.3); c.34202C>T, p.Pro11401Leu (NM_133437.4); short protein forms P20274L, P17706L, P18633L, P11209L, P11334L, P11401L.
Identifiers: ClinVar variation 47165 (VCV000047165.37), dbSNP rs72646845, ClinGen allele CA140188.
Genomic context (GRCh38, chr2:178,590,904, plus strand): 5'-AGGGTCCAAGACACTGTTGCTGCATTTTCAGTAATGTCAGTAACCACTGGTTTACCAGGA[G>A]GAGACGGAGGACTAAATTTATGCTTAGCAACAGTAGGTGTGGAGTCAAGGGGAGGACCAA-3'
Protein context (NP_001254479.2, residues 20264-20284): VAKHKFSPPS[Pro20274Leu]PGKPVVTDIT